The following is an entry in ClinVar:

ClinVar aggregate classification (germline): Uncertain significance (1 of 4 stars; one submission).

Conditions:
NIK deficiency. Also called: Primary immunodeficiency with multifaceted aberrant lymphoid immunity. Identifiers: Orphanet 447731, MedGen C5680065, MONDO:0018642.

Submission:

Labcorp Genetics (formerly Invitae), Labcorp
Classification: Uncertain significance for NIK deficiency. Last evaluated: 2024-10-27. Review status: criteria provided, single submitter. Criteria: Invitae Variant Classification Sherloc (09022015). Collection method: clinical testing. Allele origin: germline.
Comment: This sequence change falls in intron 8 of the MAP3K14 gene. It does not directly change the encoded amino acid sequence of the MAP3K14 protein. It affects a nucleotide within the consensus splice site. This variant is not present in population databases (gnomAD no frequency). This variant has not been reported in the literature in individuals affected with MAP3K14-related conditions. ClinVar contains an entry for this variant (Variation ID: 1494213). Variants that disrupt the consensus splice site are a relatively common cause of aberrant splicing (PMID: 17576681, 9536098). Algorithms developed to predict the effect of sequence changes on RNA splicing suggest that this variant is not likely to affect RNA splicing. In summary, the available evidence is currently insufficient to determine the role of this variant in disease. Therefore, it has been classified as a Variant of Uncertain Significance.

Literature cited by the submitters: PubMed 17576681; PubMed 9536098.

NM_003954.5(MAP3K14):c.1552+4A>G

Gene: MAP3K14 (mitogen-activated protein kinase kinase kinase 14; minus strand). Cytogenetic location: 17q21.31.
Variant type: single nucleotide variant.
Coding change: c.1552+4A>G on transcript NM_003954.5 (MANE Select); 4 bases into the intron after coding-DNA position 1552, A replaced by G.
Molecular consequence: intron variant.
Genome position (GRCh38, 1-based): chr17:45,274,119, T>C on the plus strand (A>G on the coding strand, the complement: MAP3K14 is on the minus strand). VCF-style: chr17-45274119-T-C. GRCh37 (hg19) VCF-style: chr17-43351486-T-C.
Identifiers: ClinVar variation 1494213 (VCV001494213.6), dbSNP rs2143791049, ClinGen allele CA2573153961.